The following is an entry in ClinVar:

ClinVar aggregate classification (germline): Uncertain significance (1 of 4 stars; one submission).

Conditions:
Febrile seizures, familial, 11 (FEB11). Also called: CONVULSIONS, FAMILIAL FEBRILE, 11. Identifiers: MedGen C3280734, MONDO:0024566, OMIM 614418.

Allele frequency attached by ClinVar (database versions not stated): TOPMed 0.00002.

Submission:

Labcorp Genetics (formerly Invitae), Labcorp
Classification: Uncertain significance for Febrile seizures, familial, 11. Last evaluated: 2020-09-25. Review status: criteria provided, single submitter. Criteria: Invitae Variant Classification Sherloc (09022015). Collection method: clinical testing. Allele origin: germline.
Comment: This variant has not been reported in the literature in individuals with CPA6-related conditions. This variant is not present in population databases (ExAC no frequency). This sequence change falls in intron 7 of the CPA6 gene. It does not directly change the encoded amino acid sequence of the CPA6 protein, but it affects a nucleotide within the consensus splice site of the intron. Nucleotide substitutions within the consensus splice site are a relatively common cause of aberrant splicing (PMID: 17576681, 9536098). Algorithms developed to predict the effect of sequence changes on RNA splicing suggest that this variant is not likely to affect RNA splicing, but this prediction has not been confirmed by published transcriptional studies. In summary, the available evidence is currently insufficient to determine the role of this variant in disease. Therefore, it has been classified as a Variant of Uncertain Significance.

Literature cited by the submitters: PubMed 17576681; PubMed 9536098.

NM_020361.5(CPA6):c.748-3T>C

Genes: ARFGEF1-DT (ARFGEF1 divergent transcript; plus strand), CPA6 (carboxypeptidase A6; minus strand). Cytogenetic location: 8q13.2.
Variant type: single nucleotide variant.
Coding change: c.748-3T>C on transcript NM_020361.5 (MANE Select); 3 bases into the intron before coding-DNA position 748, T replaced by C.
Molecular consequence: intron variant.
Genome position (GRCh38, 1-based): chr8:67,483,861, A>G on the plus strand (T>C on the coding strand, the complement: CPA6 is on the minus strand). VCF-style: chr8-67483861-A-G. GRCh37 (hg19) VCF-style: chr8-68396096-A-G.
Identifiers: ClinVar variation 1014419 (VCV001014419.6), dbSNP rs1227319659, ClinGen allele CA854543341.
Genomic context (GRCh38, chr8:67,483,861, plus strand): 5'-CCACTCCACGGCAGCGAAACCTTGAGTTCCTTGACCTTGTTTTTCTCCAAAATCGATCCT[A>G]GACATAATTAAGAAAACAGGTGCTGAGAAAAATACTTAAAAGGTTATTCGCATGCATTTT-3'